The following is an entry in ClinVar:

NM_017849.4(TMEM127):c.661C>T (p.Pro221Ser)

Gene: TMEM127 (transmembrane protein 127; minus strand). Cytogenetic location: 2q11.2.
Variant type: single nucleotide variant.
Coding change: c.661C>T on transcript NM_017849.4 (MANE Select); coding-DNA position 661, C replaced by T.
Protein change: p.Pro221Ser; replaces proline 221 with serine.
Molecular consequence: missense variant.
Genome position (GRCh38, 1-based): chr2:96,253,864, G>A on the plus strand (C>T on the coding strand, the complement: TMEM127 is on the minus strand). VCF-style: chr2-96253864-G-A. GRCh37 (hg19) VCF-style: chr2-96919602-G-A.
Other names: c.661C>T, p.Pro221Ser (NM_001193304.3); c.409C>T, p.Pro137Ser (NM_001407282.1, NM_001407283.1); short protein forms P221S, P137S.
Identifiers: ClinVar variation 3706571 (VCV003706571.2).

ClinVar aggregate classification (germline): Uncertain significance (1 of 4 stars; one submission).

Conditions:
Hereditary pheochromocytoma and paraganglioma. Also called: Hereditary paragangliomas and pheochromocytomas; Hereditary Paraganglioma-Pheochromocytoma Syndromes; Hereditary pheochromocytoma-paraganglioma. Identifiers: Orphanet 29072, MedGen C4274332, MONDO:0017366.

gnomAD v4.1: 2 of 1,614,084 alleles (0.00012%); highest among the groups gnomAD compares: Non-Finnish European, 0.00017%; no homozygotes.

Submission:

Labcorp Genetics (formerly Invitae), Labcorp
Classification: Uncertain significance for Hereditary pheochromocytoma and paraganglioma. Last evaluated: 2024-07-30. Review status: criteria provided, single submitter. Criteria: Invitae Variant Classification Sherloc (09022015). Collection method: clinical testing. Allele origin: germline.
Comment: This sequence change replaces proline, which is neutral and non-polar, with serine, which is neutral and polar, at codon 221 of the TMEM127 protein (p.Pro221Ser). This variant is not present in population databases (gnomAD no frequency). This variant has not been reported in the literature in individuals affected with TMEM127-related conditions. An algorithm developed to predict the effect of missense changes on protein structure and function (PolyPhen-2) suggests that this variant is likely to be disruptive. In summary, the available evidence is currently insufficient to determine the role of this variant in disease. Therefore, it has been classified as a Variant of Uncertain Significance.